The following is an entry in ClinVar:

ClinVar aggregate classification (germline): Uncertain significance (1 of 4 stars; one submission).

Submission:

Labcorp Genetics (formerly Invitae), Labcorp
Classification: Uncertain significance. Last evaluated: 2024-05-08. Review status: criteria provided, single submitter. Criteria: Invitae Variant Classification Sherloc (09022015). Collection method: clinical testing. Allele origin: germline.
Comment: This sequence change creates a premature translational stop signal (p.Glu882*) in the SLC4A1 gene. While this is not anticipated to result in nonsense mediated decay, it is expected to disrupt the last 30 amino acid(s) of the SLC4A1 protein. This variant is not present in population databases (gnomAD no frequency). This variant has not been reported in the literature in individuals affected with SLC4A1-related conditions. Experimental studies and prediction algorithms are not available or were not evaluated, and the functional significance of this variant is currently unknown. In summary, the available evidence is currently insufficient to determine the role of this variant in disease. Therefore, it has been classified as a Variant of Uncertain Significance.

NM_000342.4(SLC4A1):c.2644G>T (p.Glu882Ter)

Gene: SLC4A1 (solute carrier family 4 member 1 (Diego blood group); minus strand). Cytogenetic location: 17q21.31.
Variant type: single nucleotide variant.
Coding change: c.2644G>T on transcript NM_000342.4 (MANE Select); coding-DNA position 2644, G replaced by T.
Protein change: p.Glu882Ter; replaces glutamic acid 882 with a stop codon.
Molecular consequence: nonsense.
Genome position (GRCh38, 1-based): chr17:44,251,170, C>A on the plus strand (G>T on the coding strand, the complement: SLC4A1 is on the minus strand). VCF-style: chr17-44251170-C-A. GRCh37 (hg19) VCF-style: chr17-42328538-C-A.
Other names: short protein forms E882*.
Identifiers: ClinVar variation 2839181 (VCV002839181.3), dbSNP rs1436104092, ClinGen allele CA399779408.